The following is an entry in ClinVar:

ClinVar aggregate classification (germline): Uncertain significance (1 of 4 stars; one submission).

Conditions:
Hereditary cancer-predisposing syndrome. Also called: Tumor predisposition; Hereditary Cancer Syndrome; Neoplastic Syndromes, Hereditary; Hereditary neoplastic syndrome. Identifiers: Orphanet 140162, MedGen C0027672, MeSH D009386, MONDO:0015356.

Submission:

Ambry Genetics
Classification: Uncertain significance for Hereditary cancer-predisposing syndrome. Last evaluated: 2022-05-17. Review status: criteria provided, single submitter. Criteria: Ambry Variant Classification Scheme 2023. Collection method: clinical testing. Allele origin: germline.
Comment: The p.D90E variant (also known as c.270T>A), located in coding exon 3 of the CDC73 gene, results from a T to A substitution at nucleotide position 270. The aspartic acid at codon 90 is replaced by glutamic acid, an amino acid with highly similar properties. This amino acid position is conserved. In addition, this alteration is predicted to be deleterious by in silico analysis. Since supporting evidence is limited at this time, the clinical significance of this alteration remains unclear.

NM_024529.5(CDC73):c.270T>A (p.Asp90Glu)

Gene: CDC73 (cell division cycle 73; plus strand). Cytogenetic location: 1q31.2.
Variant type: single nucleotide variant.
Coding change: c.270T>A on transcript NM_024529.5 (MANE Select); coding-DNA position 270, T replaced by A.
Protein change: p.Asp90Glu; replaces aspartic acid 90 with glutamic acid.
Molecular consequence: missense variant.
Genome position (GRCh38, 1-based): chr1:193,130,206, T>A. VCF-style: chr1-193130206-T-A. GRCh37 (hg19) VCF-style: chr1-193099336-T-A.
Other names: short protein forms D90E.
Identifiers: ClinVar variation 1795068 (VCV001795068.2), dbSNP rs1675670704, ClinGen allele CA343973339.